The following is an entry in ClinVar:

NM_031942.5(CDCA7):c.832G>C (p.Glu278Gln)

Gene: CDCA7 (cell division cycle associated 7; plus strand). Cytogenetic location: 2q31.1.
Variant type: single nucleotide variant.
Coding change: c.832G>C on transcript NM_031942.5 (MANE Select); coding-DNA position 832, G replaced by C.
Protein change: p.Glu278Gln; replaces glutamic acid 278 with glutamine.
Molecular consequence: missense variant.
Genome position (GRCh38, 1-based): chr2:173,364,927, G>C. VCF-style: chr2-173364927-G-C. GRCh37 (hg19) VCF-style: chr2-174229655-G-C.
Other names: c.595G>C, p.Glu199Gln (NM_145810.3); short protein forms E199Q, E278Q.
Identifiers: ClinVar variation 1504962 (VCV001504962.8), dbSNP rs2106391595, ClinGen allele CA349328911.

ClinVar aggregate classification (germline): Uncertain significance (1 of 4 stars; one submission).

Submission:

Labcorp Genetics (formerly Invitae), Labcorp
Classification: Uncertain significance. Last evaluated: 2021-07-13. Review status: criteria provided, single submitter. Criteria: Invitae Variant Classification Sherloc (09022015). Collection method: clinical testing. Allele origin: germline.
Comment: In summary, the available evidence is currently insufficient to determine the role of this variant in disease. Therefore, it has been classified as a Variant of Uncertain Significance. Algorithms developed to predict the effect of missense changes on protein structure and function are either unavailable or do not agree on the potential impact of this missense change (SIFT: "Deleterious"; PolyPhen-2: "Possibly Damaging"; Align-GVGD: "Class C0"). This sequence change replaces glutamic acid with glutamine at codon 278 of the CDCA7 protein (p.Glu278Gln). The glutamic acid residue is highly conserved and there is a small physicochemical difference between glutamic acid and glutamine. This variant is not present in population databases (ExAC no frequency). This variant has not been reported in the literature in individuals affected with CDCA7-related conditions.